The following is an entry in ClinVar:

NM_000169.3(GLA):c.107T>G (p.Leu36Trp)

Genes: GLA (galactosidase alpha; minus strand), RPL36A-HNRNPH2 (RPL36A-HNRNPH2 readthrough; plus strand). Cytogenetic location: Xq22.1.
Variant type: single nucleotide variant.
Coding change: c.107T>G on transcript NM_000169.3 (MANE Select); coding-DNA position 107, T replaced by G.
Protein change: p.Leu36Trp; replaces leucine 36 with tryptophan.
Molecular consequence: missense variant. On other transcripts: non-coding transcript variant (3), intron variant (2).
Genome position (GRCh38, 1-based): chrX:101,407,797, A>C on the plus strand (T>G on the coding strand, the complement: GLA is on the minus strand). VCF-style: chrX-101407797-A-C. GRCh37 (hg19) VCF-style: chrX-100662785-A-C.
Other names: c.107T>G, p.Leu36Trp (NM_001406747.1, NM_001406748.1, NM_001406749.1); c.301-4139A>C (NM_001199973.2); c.178-4139A>C (NM_001199974.2); short protein forms L36W.
Identifiers: ClinVar variation 217377 (VCV000217377.3), dbSNP rs869312138, ClinGen allele CA353241.

ClinVar aggregate classification (germline): Pathogenic. Review status: criteria provided, single submitter (1 of 4 stars). 3 submissions from 2 submitters: Pathogenic (1). 2 of the submissions do not count toward it. Last evaluated 2026-09-08.

Conditions:
Fabry disease. Also called: ALPHA-GALACTOSIDASE A DEFICIENCY; ANDERSON-FABRY DISEASE; CERAMIDE TRIHEXOSIDASE DEFICIENCY; Fabry's disease; Angiokeratoma corporis diffusum; Ceramide trihexosidosis. Identifiers: Orphanet 324, MedGen C0002986, MONDO:0010526, OMIM 301500, HP:0001071. Disease mechanism: loss of function, Fabry disease is due to inactivating mutations in the X-linked GLA gene resulting in deficiency of the enzyme Alpha Galactosidase-A..
Migalastat response. Also called: 1-Deoxygalactonojirimycin response; Galafold response. Identifiers: MedGen CN233149.

Submissions (3):

Genomenon, Inc
Classification: Pathogenic for Fabry disease. Last evaluated: 2026-09-08. Review status: criteria provided, single submitter. Criteria: Genomenon Sequence Variant Interpretation Standards - Updated. Collection method: curation. Allele origin: germline. Affected: yes.
Comment: GLA p.Leu36Trp (c.107T>G) is a missense variant that changes the amino acid at codon 36 from Leucine to Tryptophan. This variant has been observed in at least one proband with clinical features consistent with Fabry disease (PMID:27657681;26415523;30468909;30723321). The variant was found to segregate with disease in at least one affected family (PMID:30468909). At least one functional study has demonstrated a substantial alteration in protein function relative to the wild-type (PMID:32023956;30723321;26415523;27657681). It is absent or not present at a significant frequency in gnomAD. In silico models predict that this variant is possibly or probably damaging. In conclusion, we classify GLA p.Leu36Trp (c.107T>G) as a pathogenic variant.

Albrecht-Kossel-Institute, Medical University Rostock
Classification: Pathogenic for Fabry's disease. Last evaluated: 2014-01-01. Review status: no assertion criteria provided. Collection method: research. Allele origin: inherited. Not counted in ClinVar's aggregate classification.

Albrecht-Kossel-Institute, Medical University Rostock
Classification: drug response for deoxygalactonojirimycin response. Last evaluated: 2014-01-01. Review status: no assertion criteria provided. Collection method: research. Allele origin: inherited. Not counted in ClinVar's aggregate classification.

Literature cited by the submitters: PubMed 27657681 (cited by Genomenon, Inc); PubMed 26415523 (cited by Genomenon, Inc and Albrecht-Kossel-Institute, Medical University Rostock); PubMed 30468909 (cited by Genomenon, Inc); PubMed 30723321 (cited by Genomenon, Inc); PubMed 32023956 (cited by Genomenon, Inc).